The following is an entry in ClinVar:

NM_001035256.1(POMC):c.-203A>G

Genes: POMC (proopiomelanocortin; minus strand), LOC108167315 (POMC promoter region; plus strand). Cytogenetic location: 2p23.3.
Variant type: single nucleotide variant.
Coding change: c.-203A>G on transcript NM_001035256.1; 203 bases upstream of the start codon, A replaced by G.
Genome position (GRCh38, 1-based): chr2:25,168,630, T>C on the plus strand (A>G on the coding strand, the complement: POMC is on the minus strand). VCF-style: chr2-25168630-T-C. GRCh37 (hg19) VCF-style: chr2-25391499-T-C.
Identifiers: ClinVar variation 335362 (VCV000335362.7), dbSNP rs139229417, ClinGen allele CA10612958.

ClinVar aggregate classification (germline): Conflicting classifications of pathogenicity. Review status: criteria provided, conflicting classifications (1 of 4 stars). 2 submissions from 1 submitter: Uncertain significance (1); Benign (1). Last evaluated 2018-01-13.

Conditions:
Obesity due to pro-opiomelanocortin deficiency. Also called: OBESITY, EARLY-ONSET, WITH ADRENAL INSUFFICIENCY AND RED HAIR; PROOPIOMELANOCORTIN DEFICIENCY; Obesity, adrenal insufficiency, and red hair due to POMC deficiency. Identifiers: Orphanet 71526, MedGen C1857854, MONDO:0012335, OMIM 609734.
Obesity. Also called: Obesity disorder. Identifiers: Orphanet 71529, MedGen C0028754, MeSH D009765, MONDO:0011122, HP:0001513.

Allele frequency attached by ClinVar (database versions not stated): TOPMed 0.00589; 1000 Genomes Project 0.00539; gnomAD 0.00501 and 0.00551; 1000 Genomes Project 30x 0.00578.

Submissions (2):

Illumina Laboratory Services, Illumina
Classification: Benign for Obesity due to pro-opiomelanocortin deficiency. Last evaluated: 2018-01-13. Review status: criteria provided, single submitter. Criteria: ICSL Variant Classification Criteria 13 December 2019. Collection method: clinical testing. Allele origin: germline.
Comment: This variant was observed in the ICSL laboratory as part of a predisposition screen in an ostensibly healthy population. It had not been previously curated by ICSL or reported in the Human Gene Mutation Database (HGMD: prior to June 1st, 2018), and was therefore a candidate for classification through an automated scoring system. Utilizing variant allele frequency, disease prevalence and penetrance estimates, and inheritance mode, an automated score was calculated to assess if this variant is too frequent to cause the disease. Based on the score and internal cut-off values, a variant classified as benign is not then subjected to further curation. The score for this variant resulted in a classification of benign for this disease.

Illumina Laboratory Services, Illumina
Classification: Uncertain significance for Inherited obesity. Last evaluated: 2018-01-13. Review status: criteria provided, single submitter. Criteria: ICSL Variant Classification Criteria 13 December 2019. Collection method: clinical testing. Allele origin: germline.